The following is an entry in ClinVar:

NM_004522.3(KIF5C):c.2437G>A (p.Val813Ile)

Gene: KIF5C (kinesin family member 5C; plus strand). Cytogenetic location: 2q23.2.
Variant type: single nucleotide variant.
Coding change: c.2437G>A on transcript NM_004522.3 (MANE Select); coding-DNA position 2437, G replaced by A.
Protein change: p.Val813Ile; replaces valine 813 with isoleucine.
Molecular consequence: missense variant. On other transcripts: non-coding transcript variant (1).
Genome position (GRCh38, 1-based): chr2:149,005,456, G>A. VCF-style: chr2-149005456-G-A. GRCh37 (hg19) VCF-style: chr2-149861970-G-A.
Other names: short protein forms V813I.
Identifiers: ClinVar variation 4881834 (VCV004881834.2).

ClinVar aggregate classification (germline): Uncertain significance (1 of 4 stars; one submission).

Submission:

Dasa
Classification: Uncertain significance. Last evaluated: 2025-06-12. Review status: criteria provided, single submitter. Criteria: DASA Assertion Criteria. Collection method: clinical testing. Allele origin: germline.
Comment: NM_004522.3(KIF5C):c.2437G>A (p.Val813Ile) is a missense variant that results in the substitution of valine with isoleucine. This variant is absent from population databases. Computational prediction algorithms are consistent with a benign effect. The currently available literature and clinical evidence are not sufficient to establish a definitive association between this variant and the reported condition. Therefore, this variant is classified as a variant of uncertain significance.